The following is an entry in ClinVar:

ClinVar aggregate classification (germline): Uncertain significance (1 of 4 stars; one submission).

Submission:

Greenwood Genetic Center Diagnostic Laboratories, Greenwood Genetic Center
Classification: Uncertain significance. Last evaluated: 2023-12-04. Review status: criteria provided, single submitter. Criteria: ACMG Guidelines, 2015. Collection method: clinical testing. Allele origin: germline. Affected: yes.
Comment: PM2

NM_005862.3(STAG1):c.1747T>C (p.Ser583Pro)

Gene: STAG1 (STAG1 cohesin complex component; minus strand). Cytogenetic location: 3q22.3.
Variant type: single nucleotide variant.
Coding change: c.1747T>C on transcript NM_005862.3 (MANE Select); coding-DNA position 1747, T replaced by C.
Protein change: p.Ser583Pro; replaces serine 583 with proline.
Molecular consequence: missense variant.
Genome position (GRCh38, 1-based): chr3:136,422,854, A>G on the plus strand (T>C on the coding strand, the complement: STAG1 is on the minus strand). VCF-style: chr3-136422854-A-G. GRCh37 (hg19) VCF-style: chr3-136141696-A-G.
Other names: short protein forms S583P.
Identifiers: ClinVar variation 2692485 (VCV002692485.1), dbSNP rs2530397466, ClinGen allele CA354645000.